The following is an entry in ClinVar:

NM_000501.4(ELN):c.1096+12TG[15]

Gene: ELN (elastin; plus strand). Cytogenetic location: 7q11.23.
Variant type: Microsatellite.
Coding change: c.1096+12TG[15] on transcript NM_000501.4 (MANE Select); 15 copies in a row of the 2-base unit TG starting at c.1096+12.
Molecular consequence: intron variant.
Genome position: GRCh38 VCF-style: chr7-74053320-CTGTGTGTG-C. GRCh37 (hg19) VCF-style: chr7-73467650-CTGTGTGTG-C.
Other names: c.1111+12TG[15] (NM_001081754.3, NM_001081753.3); c.1096+12TG[15] (NM_001278939.2, NM_001278915.2, NM_001278912.2 and 1 more transcripts); c.1054+12TG[15] (NM_001278916.2); c.988+12TG[15] (NM_001278913.2); c.1081+12TG[15] (NM_001278914.2); c.1066+12TG[15] (NM_001278917.2, NM_001081752.3); c.964+12TG[15] (NM_001278918.2).
Identifiers: ClinVar variation 1928245 (VCV001928245.6), dbSNP rs10579871, ClinGen allele CA455885127.

ClinVar aggregate classification (germline): Conflicting classifications of pathogenicity. Review status: criteria provided, conflicting classifications (1 of 4 stars). 2 submissions from 2 submitters: Uncertain significance (1); Likely benign (1). Last evaluated 2024-10-21.

Conditions:
Supravalvar aortic stenosis (SVAS). Also called: Supravalvar aortic stenosis, Eisenberg type. Identifiers: Orphanet 3193, MedGen C0003499, MONDO:0008504, OMIM 185500, HP:0004381.

Submissions (2):

Blueprint Genetics
Classification: Likely benign. Last evaluated: 2024-10-21. Review status: criteria provided, single submitter. Criteria: ACMG Guidelines, 2015. Collection method: clinical testing. Allele origin: germline.

Labcorp Genetics (formerly Invitae), Labcorp
Classification: Uncertain significance for Supravalvar aortic stenosis. Last evaluated: 2021-09-21. Review status: criteria provided, single submitter. Criteria: Invitae Variant Classification Sherloc (09022015). Collection method: clinical testing. Allele origin: germline.
Comment: Experimental studies and prediction algorithms are not available or were not evaluated, and the effect of this variant on mRNA splicing is currently unknown. This sequence change falls in intron 18 of the ELN gene. It does not directly change the encoded amino acid sequence of the ELN protein. This variant is not present in population databases (ExAC no frequency). This variant has not been reported in the literature in individuals affected with ELN-related conditions. In summary, the available evidence is currently insufficient to determine the role of this variant in disease. Therefore, it has been classified as a Variant of Uncertain Significance.